The following is an entry in ClinVar:

ClinVar aggregate classification (germline): Benign/Likely benign. Review status: criteria provided, multiple submitters, no conflicts (2 of 4 stars). 3 submissions from 3 submitters: Benign (2); Likely benign (1). Last evaluated 2026-01-12.

Conditions:
XRCC4-related disorder. Also called: XRCC4-related condition.

Allele frequency attached by ClinVar (database versions not stated): ExAC 0.00095; 1000 Genomes Project 30x 0.00265; ESP Exome Variant Server 0.00284; 1000 Genomes Project 0.00300; gnomAD 0.00319; TOPMed 0.00350.
gnomAD v4.1: 879 of 1,583,800 alleles (0.055%); highest among the groups gnomAD compares: African/African-American, 1.1%; 11 homozygotes.

Submissions (3):

Labcorp Genetics (formerly Invitae), Labcorp
Classification: Benign. Last evaluated: 2026-01-12. Review status: criteria provided, single submitter. Criteria: Invitae Variant Classification Sherloc (09022015). Collection method: clinical testing. Allele origin: germline.

PreventionGenetics, part of Exact Sciences
Classification: Benign for XRCC4-related condition. Last evaluated: 2025-01-02. Review status: criteria provided, single submitter. Criteria: ACMG Guidelines, 2015. Collection method: clinical testing. Allele origin: germline.
Comment: This variant is classified as benign based on ACMG/AMP sequence variant interpretation guidelines (Richards et al. 2015 PMID: 25741868, with internal and published modifications).

Blueprint Genetics
Classification: Likely benign. Last evaluated: 2024-10-09. Review status: criteria provided, single submitter. Criteria: ACMG Guidelines, 2015. Collection method: clinical testing. Allele origin: germline.

NM_003401.5(XRCC4):c.307G>A (p.Asp103Asn)

Gene: XRCC4 (X-ray repair cross complementing 4; plus strand). Cytogenetic location: 5q14.2.
Variant type: single nucleotide variant.
Coding change: c.307G>A on transcript NM_003401.5 (MANE Select); coding-DNA position 307, G replaced by A.
Protein change: p.Asp103Asn; replaces aspartic acid 103 with asparagine.
Molecular consequence: missense variant.
Genome position (GRCh38, 1-based): chr5:83,111,195, G>A. VCF-style: chr5-83111195-G-A. GRCh37 (hg19) VCF-style: chr5-82407014-G-A.
Other names: c.307G>A, p.Asp103Asn (NM_001318012.3, NM_001318013.2, NM_022406.5 and 1 more transcripts); short protein forms D103N.
Identifiers: ClinVar variation 730553 (VCV000730553.12), dbSNP rs144653114, ClinGen allele CA3332124.